The following is an entry in ClinVar:

NM_058195.4(CDKN2A):c.35G>C (p.Arg12Pro)

Gene: CDKN2A (cyclin dependent kinase inhibitor 2A; minus strand). Cytogenetic location: 9p21.3.
Variant type: single nucleotide variant.
Coding change: c.35G>C on transcript NM_058195.4 (MANE Plus Clinical); coding-DNA position 35, G replaced by C.
Protein change: p.Arg12Pro; replaces arginine 12 with proline.
Molecular consequence: missense variant. On other transcripts: intron variant (1).
Genome position (GRCh38, 1-based): chr9:21,994,297, C>G on the plus strand (G>C on the coding strand, the complement: CDKN2A is on the minus strand). VCF-style: chr9-21994297-C-G. GRCh37 (hg19) VCF-style: chr9-21994296-C-G.
Other names: c.-4+524G>C (NM_001363763.2); short protein forms R12P.
Identifiers: ClinVar variation 4633892 (VCV004633892.1).

ClinVar aggregate classification (germline): Uncertain significance (1 of 4 stars; one submission).

Conditions:
Hereditary cancer-predisposing syndrome. Also called: Hereditary Cancer Syndrome; Neoplastic Syndromes, Hereditary; Tumor predisposition; Hereditary neoplastic syndrome. Identifiers: Orphanet 140162, MedGen C0027672, MeSH D009386, MONDO:0015356.

gnomAD v4.1: 2 of 1,604,392 alleles (0.00012%); highest among the groups gnomAD compares: Non-Finnish European, 0.000085%; no homozygotes.

Submission:

Ambry Genetics
Classification: Uncertain significance for Hereditary cancer-predisposing syndrome. Last evaluated: 2025-11-10. Review status: criteria provided, single submitter. Criteria: Ambry Variant Classification Scheme 2023. Collection method: clinical testing. Allele origin: germline.
Comment: The p.R12P variant (also known as c.35G>C), located in coding exon 1 of the CDKN2A (p14ARF) gene, results from a G to C substitution at nucleotide position 35. The arginine at codon 12 is replaced by proline, an amino acid with dissimilar properties. This amino acid position is well conserved in available vertebrate species. In addition, the in silico prediction for this alteration is inconclusive. Based on the available evidence, the clinical significance of this variant remains unclear.